The following is an entry in ClinVar:

NM_000384.3(APOB):c.12119A>G (p.Lys4040Arg)

Gene: APOB (apolipoprotein B; minus strand). Cytogenetic location: 2p24.1.
Variant type: single nucleotide variant.
Coding change: c.12119A>G on transcript NM_000384.3 (MANE Select); coding-DNA position 12119, A replaced by G.
Protein change: p.Lys4040Arg; replaces lysine 4040 with arginine.
Molecular consequence: missense variant.
Genome position (GRCh38, 1-based): chr2:21,003,303, T>C on the plus strand (A>G on the coding strand, the complement: APOB is on the minus strand). VCF-style: chr2-21003303-T-C. GRCh37 (hg19) VCF-style: chr2-21226175-T-C.
Other names: short protein forms K4040R.
Identifiers: ClinVar variation 3416877 (VCV003416877.2), dbSNP rs762014899.

ClinVar aggregate classification (germline): Uncertain significance (1 of 4 stars; one submission).

Conditions:
Cardiovascular phenotype. Identifiers: MedGen CN230736.

Allele frequency attached by ClinVar (database versions not stated): gnomAD 0.00002; ExAC 0.00001; TOPMed 0.00003 and 0.00002; gnomAD exomes below 0.00001.
gnomAD v4.1: 17 of 1,613,614 alleles (0.0011%); highest among the groups gnomAD compares: Non-Finnish European, 0.0014%; no homozygotes.

Submission:

Ambry Genetics
Classification: Uncertain significance for Cardiovascular phenotype. Last evaluated: 2026-09-11. Review status: criteria provided, single submitter. Criteria: Ambry Variant Classification Scheme 2023. Collection method: clinical testing. Allele origin: germline.
Comment: The p.K4040R variant (also known as c.12119A>G), located in coding exon 29 of the APOB gene, results from an A to G substitution at nucleotide position 12119. The lysine at codon 4040 is replaced by arginine, an amino acid with highly similar properties. This amino acid position is conserved. In addition, this alteration is predicted to be tolerated by in silico analysis. Based on the available evidence, the clinical significance of this variant remains unclear.